The following is an entry in ClinVar:

ClinVar aggregate classification (germline): Uncertain significance. Review status: criteria provided, multiple submitters, no conflicts (2 of 4 stars). 2 submissions from 2 submitters: Uncertain significance (2). Last evaluated 2022-12-01.

Conditions:
Inborn genetic diseases. Identifiers: MedGen C0950123, MeSH D030342.
Glycosylphosphatidylinositol biosynthesis defect 18. Also called: DEVELOPMENTAL AND EPILEPTIC ENCEPHALOPATHY 95. Identifiers: MedGen C4748357, MONDO:0029140, OMIM 618143.

Allele frequency attached by ClinVar (database versions not stated): ExAC 0.00001; gnomAD 0.00001; gnomAD exomes 0.00001; TOPMed 0.00001.

Submissions (2):

Ambry Genetics
Classification: Uncertain significance for Inborn genetic diseases. Last evaluated: 2022-12-01. Review status: criteria provided, single submitter. Criteria: Ambry Variant Classification Scheme 2023. Collection method: clinical testing. Allele origin: germline.

Baylor Genetics
Classification: Uncertain significance for Glycosylphosphatidylinositol biosynthesis defect 18. Last evaluated: 2019-12-10. Review status: criteria provided, single submitter. Criteria: ACMG Guidelines, 2015. Collection method: clinical testing. Allele origin: unknown. Affected: yes.
Comment: This variant was determined to be of uncertain significance according to ACMG Guidelines, 2015 [PMID:25741868].

NM_033198.4(PIGS):c.526C>T (p.Arg176Trp)

Gene: PIGS (phosphatidylinositol glycan anchor biosynthesis class S; minus strand). Cytogenetic location: 17q11.2.
Variant type: single nucleotide variant.
Coding change: c.526C>T on transcript NM_033198.4 (MANE Select); coding-DNA position 526, C replaced by T.
Protein change: p.Arg176Trp; replaces arginine 176 with tryptophan.
Molecular consequence: missense variant.
Genome position (GRCh38, 1-based): chr17:28,561,572, G>A on the plus strand (C>T on the coding strand, the complement: PIGS is on the minus strand). VCF-style: chr17-28561572-G-A. GRCh37 (hg19) VCF-style: chr17-26888590-G-A.
Other names: short protein forms R176W.
Identifiers: ClinVar variation 1028511 (VCV001028511.3), dbSNP rs746300997, ClinGen allele CA8460254.